The following is an entry in ClinVar:

ClinVar aggregate classification (germline): Conflicting classifications of pathogenicity. Review status: criteria provided, conflicting classifications (1 of 4 stars). 2 submissions from 2 submitters: Uncertain significance (1); Likely benign (1). Last evaluated 2025-05-26.

Conditions:
Inborn genetic diseases. Identifiers: MedGen C0950123, MeSH D030342.
Immunodeficiency, common variable, 10. Also called: IMMUNODEFICIENCY, COMMON VARIABLE, WITH CENTRAL ADRENAL INSUFFICIENCY; DEFICIT IN ANTERIOR PITUITARY FUNCTION AND VARIABLE IMMUNODEFICIENCY. Identifiers: MedGen C3809991, MONDO:0014260, OMIM 615577.

Allele frequency attached by ClinVar (database versions not stated): gnomAD 0.00001; gnomAD exomes 0.00001; TOPMed 0.00002.
gnomAD v4.1: 11 of 1,610,312 alleles (0.00068%); highest among the groups gnomAD compares: Admixed American, 0.0084%; no homozygotes.

Submissions (2):

Ambry Genetics
Classification: Likely benign for Inborn genetic diseases. Last evaluated: 2025-05-26. Review status: criteria provided, single submitter. Criteria: Ambry Variant Classification Scheme 2023. Collection method: clinical testing. Allele origin: germline.

Labcorp Genetics (formerly Invitae), Labcorp
Classification: Uncertain significance for Immunodeficiency, common variable, 10. Last evaluated: 2021-04-23. Review status: criteria provided, single submitter. Criteria: Invitae Variant Classification Sherloc (09022015). Collection method: clinical testing. Allele origin: germline.
Comment: This variant is not present in population databases (ExAC no frequency). This variant has not been reported in the literature in individuals with NFKB2-related conditions. This sequence change replaces glutamic acid with lysine at codon 822 of the NFKB2 protein (p.Glu822Lys). The glutamic acid residue is weakly conserved and there is a small physicochemical difference between glutamic acid and lysine. In summary, the available evidence is currently insufficient to determine the role of this variant in disease. Therefore, it has been classified as a Variant of Uncertain Significance. Algorithms developed to predict the effect of missense changes on protein structure and function output the following: SIFT: "Tolerated"; PolyPhen-2: "Benign"; Align-GVGD: "Class C0". The lysine amino acid residue is found in multiple mammalian species, suggesting that this missense change does not adversely affect protein function. These predictions have not been confirmed by published functional studies and their clinical significance is uncertain.

NM_001322934.2(NFKB2):c.2464G>A (p.Glu822Lys)

Gene: NFKB2 (nuclear factor kappa B subunit 2; plus strand). Cytogenetic location: 10q24.32.
Variant type: single nucleotide variant.
Coding change: c.2464G>A on transcript NM_001322934.2 (MANE Select); coding-DNA position 2464, G replaced by A.
Protein change: p.Glu822Lys; replaces glutamic acid 822 with lysine.
Molecular consequence: missense variant.
Genome position (GRCh38, 1-based): chr10:102,401,915, G>A. VCF-style: chr10-102401915-G-A. GRCh37 (hg19) VCF-style: chr10-104161672-G-A.
Other names: c.2464G>A, p.Glu822Lys (NM_001077494.3, NM_001261403.3, NM_001288724.1 and 1 more transcripts); c.2338G>A, p.Glu780Lys (NM_001322935.1); c.2464G>A (NM_001077494.1); short protein forms E780K, E822K.
Identifiers: ClinVar variation 1000283 (VCV001000283.9), dbSNP rs1274576794, ClinGen allele CA377905892.